The following is an entry in ClinVar:

NM_003705.5(SLC25A12):c.550G>T (p.Asp184Tyr)

Gene: SLC25A12 (solute carrier family 25 member 12; minus strand). Cytogenetic location: 2q31.1.
Variant type: single nucleotide variant.
Coding change: c.550G>T on transcript NM_003705.5 (MANE Select); coding-DNA position 550, G replaced by T.
Protein change: p.Asp184Tyr; replaces aspartic acid 184 with tyrosine.
Molecular consequence: missense variant. On other transcripts: non-coding transcript variant (1).
Genome position (GRCh38, 1-based): chr2:171,837,183, C>A on the plus strand (G>T on the coding strand, the complement: SLC25A12 is on the minus strand). VCF-style: chr2-171837183-C-A. GRCh37 (hg19) VCF-style: chr2-172693693-C-A.
Other names: short protein forms D184Y.
Identifiers: ClinVar variation 1035055 (VCV001035055.8), dbSNP rs1367811893, ClinGen allele CA349623513.

ClinVar aggregate classification (germline): Uncertain significance (1 of 4 stars; one submission).

Allele frequency attached by ClinVar (database versions not stated): gnomAD exomes below 0.00001.
gnomAD v4.1: 2 of 1,614,120 alleles (0.00012%); highest among the groups gnomAD compares: Non-Finnish European, 0.00017%; no homozygotes.

Submission:

Labcorp Genetics (formerly Invitae), Labcorp
Classification: Uncertain significance. Last evaluated: 2020-01-15. Review status: criteria provided, single submitter. Criteria: Invitae Variant Classification Sherloc (09022015). Collection method: clinical testing. Allele origin: germline.
Comment: In summary, the available evidence is currently insufficient to determine the role of this variant in disease. Therefore, it has been classified as a Variant of Uncertain Significance. Algorithms developed to predict the effect of missense changes on protein structure and function are either unavailable or do not agree on the potential impact of this missense change (SIFT: "Deleterious"; PolyPhen-2: "Probably Damaging"; Align-GVGD: "Class C0"). This variant has not been reported in the literature in individuals with SLC25A12-related conditions. This variant is not present in population databases (ExAC no frequency). This sequence change replaces aspartic acid with tyrosine at codon 184 of the SLC25A12 protein (p.Asp184Tyr). The aspartic acid residue is moderately conserved and there is a large physicochemical difference between aspartic acid and tyrosine.